The following is an entry in ClinVar:

NM_015711.3(BICRA):c.3596_3600del

Gene: BICRA (BRD4 interacting chromatin remodeling complex associated protein; plus strand). Cytogenetic location: 19q13.33.
Variant type: Deletion.
Coding change: c.3596_3600del on transcript NM_015711.3; coding-DNA positions 3596 to 3600, 5 bases deleted (ACGAG; older notation c.3596_3600delACGAG).
Molecular consequence: splice acceptor variant.
Genome position (GRCh38, 1-based): chr19:47,701,328-47,701,332, ACGAG deleted; deleting any 5 consecutive bases within chr19:47,701,326-47,701,332 gives the same sequence; the c. name uses the placement nearest the transcript's 3' end. VCF-style (leftmost placement, unchanged base first): chr19-47701325-CAGACG-C. GRCh37 (hg19) VCF-style: chr19-48204582-CAGACG-C.
Identifiers: ClinVar variation 3235774 (VCV003235774.1), dbSNP rs2514137468, ClinGen allele CA2825002813.

ClinVar aggregate classification (germline): Uncertain significance (1 of 4 stars; one submission).

Submission:

Greenwood Genetic Center Diagnostic Laboratories, Greenwood Genetic Center
Classification: Uncertain significance. Last evaluated: 2024-03-01. Review status: criteria provided, single submitter. Criteria: ACMG Guidelines, 2015. Collection method: clinical testing. Allele origin: germline. Affected: yes.
Comment: PM2